The following is an entry in ClinVar:

ClinVar aggregate classification (germline): Pathogenic (0 of 4 stars; one submission).

Conditions:
Holoprosencephaly 5 (HPE5). Identifiers: Orphanet 2162, MedGen C1864827, MONDO:0012322, OMIM 609637.

Submission:

GeneReviews
Classification: Pathogenic for Holoprosencephaly. Last evaluated: 2013-08-29. Review status: no assertion criteria provided. Collection method: curation. Allele origin: unknown.
ClinVar note: Converted during submission from pathologic to Pathogenic.

NM_007129.5(ZIC2):c.936del (p.Lys312fs)

Gene: ZIC2 (Zic family member 2; plus strand). Cytogenetic location: 13q32.3.
Variant type: Deletion.
Coding change: c.936del on transcript NM_007129.5 (MANE Select); coding-DNA position 936, one base deleted (G; older notation c.936delG).
Protein change: p.Lys312fs; shifts the reading frame from lysine 312.
Molecular consequence: frameshift variant.
Genome position (GRCh38, 1-based): chr13:99,983,000, G deleted. VCF-style (leftmost placement, unchanged base first): chr13-99982999-AG-A. GRCh37 (hg19) VCF-style: chr13-100635253-AG-A.
Other names: 1 bp del G 312; short protein forms K312fs.
Identifiers: ClinVar variation 65487 (VCV000065487.3), dbSNP rs397515499, ClinGen allele CA344802.